The following is an entry in ClinVar:

ClinVar aggregate classification (germline): Uncertain significance (1 of 4 stars; one submission).

Allele frequency attached by ClinVar (database versions not stated): gnomAD exomes below 0.00001.
gnomAD v4.1: 2 of 1,614,074 alleles (0.00012%); highest among the groups gnomAD compares: African/African-American, 0.0013%; no homozygotes.

Submission:

Labcorp Genetics (formerly Invitae), Labcorp
Classification: Uncertain significance. Last evaluated: 2025-01-20. Review status: criteria provided, single submitter. Criteria: Invitae Variant Classification Sherloc (09022015). Collection method: clinical testing. Allele origin: germline.
Comment: This sequence change replaces valine, which is neutral and non-polar, with isoleucine, which is neutral and non-polar, at codon 137 of the ELOVL4 protein (p.Val137Ile). This variant is not present in population databases (gnomAD no frequency). This variant has not been reported in the literature in individuals affected with ELOVL4-related conditions. ClinVar contains an entry for this variant (Variation ID: 1492839). Invitae Evidence Modeling of protein sequence and biophysical properties (such as structural, functional, and spatial information, amino acid conservation, physicochemical variation, residue mobility, and thermodynamic stability) indicates that this missense variant is not expected to disrupt ELOVL4 protein function with a negative predictive value of 80%. In summary, the available evidence is currently insufficient to determine the role of this variant in disease. Therefore, it has been classified as a Variant of Uncertain Significance.

NM_022726.4(ELOVL4):c.409G>A (p.Val137Ile)

Gene: ELOVL4 (ELOVL fatty acid elongase 4; minus strand). Cytogenetic location: 6q14.1.
Variant type: single nucleotide variant.
Coding change: c.409G>A on transcript NM_022726.4 (MANE Select); coding-DNA position 409, G replaced by A.
Protein change: p.Val137Ile; replaces valine 137 with isoleucine.
Molecular consequence: missense variant.
Genome position (GRCh38, 1-based): chr6:79,921,757, C>T on the plus strand (G>A on the coding strand, the complement: ELOVL4 is on the minus strand). VCF-style: chr6-79921757-C-T. GRCh37 (hg19) VCF-style: chr6-80631474-C-T.
Other names: short protein forms V137I.
Identifiers: ClinVar variation 1492839 (VCV001492839.6), dbSNP rs2127698525, ClinGen allele CA364656734.